The following is an entry in ClinVar:

NC_000007.13:g.(?_91846937)_(91851306_?)del

Gene: KRIT1 (KRIT1 ankyrin repeat containing; minus strand). Cytogenetic location: 7q21.2.
Variant type: Deletion.
Identifiers: ClinVar variation 3245758 (VCV003245758.1).

ClinVar aggregate classification (germline): Likely pathogenic (1 of 4 stars; one submission).

Conditions:
Cerebral cavernous malformation (CCM). Also called: Cerebral cavernous hemangioma (type); Cavernous Hemangioma of Brain; CAVERNOUS ANGIOMA, FAMILIAL; CAVERNOUS ANGIOMATOUS MALFORMATIONS; CEREBRAL CAPILLARY MALFORMATIONS; Cerebral cavernous malformations. Identifiers: Orphanet 221061, MedGen C2919945, MONDO:0000820, OMIM 116860, HP:0033522.

Submission:

Labcorp Genetics (formerly Invitae), Labcorp
Classification: Likely pathogenic for Cerebral cavernous malformation. Last evaluated: 2023-07-10. Review status: criteria provided, single submitter. Criteria: Invitae Variant Classification Sherloc (09022015). Collection method: clinical testing. Allele origin: unknown.
Comment: This variant results in the deletion of part of exon 15 (c.1473_1564-2846delinsGGCCAGA) of the KRIT1 gene. It is expected to disrupt RNA splicing. Variants that disrupt the donor or acceptor splice site typically lead to a loss of protein function (PMID: 16199547), and loss-of-function variants in KRIT1 are known to be pathogenic (PMID: 10508515, 11222804, 12404106, 24689081). This variant has not been reported in the literature in individuals affected with KRIT1-related conditions. This variant disrupts a region of the KRIT1 protein in which other variant(s) (p.Leu506Arg) have been observed in individuals with KRIT1-related conditions (PMID: 30161288). This suggests that this is a clinically significant region of the protein, and that variants that disrupt it are likely to be disease-causing. In summary, the currently available evidence indicates that the variant is pathogenic, but additional data are needed to prove that conclusively. Therefore, this variant has been classified as Likely Pathogenic.

Literature cited by the submitters: PubMed 16199547; PubMed 10508515; PubMed 11222804; PubMed 12404106; PubMed 24689081; PubMed 30161288.